The following is an entry in ClinVar:

ClinVar aggregate classification (germline): Uncertain significance (1 of 4 stars; one submission).

Submission:

Labcorp Genetics (formerly Invitae), Labcorp
Classification: Uncertain significance. Last evaluated: 2021-06-20. Review status: criteria provided, single submitter. Criteria: Invitae Variant Classification Sherloc (09022015). Collection method: clinical testing. Allele origin: germline.
Comment: In summary, the available evidence is currently insufficient to determine the role of this variant in disease. Therefore, it has been classified as a Variant of Uncertain Significance. Algorithms developed to predict the effect of missense changes on protein structure and function are either unavailable or do not agree on the potential impact of this missense change (SIFT: "Deleterious"; PolyPhen-2: "Possibly Damaging"; Align-GVGD: "Class C0"). This variant has not been reported in the literature in individuals with BACH2-related conditions. This variant is not present in population databases (ExAC no frequency). This sequence change replaces leucine with phenylalanine at codon 454 of the BACH2 protein (p.Leu454Phe). The leucine residue is moderately conserved and there is a small physicochemical difference between leucine and phenylalanine.

NM_021813.4(BACH2):c.1362G>T (p.Leu454Phe)

Gene: BACH2 (BACH transcriptional regulator 2; minus strand). Cytogenetic location: 6q15.
Variant type: single nucleotide variant.
Coding change: c.1362G>T on transcript NM_021813.4 (MANE Select); coding-DNA position 1362, G replaced by T.
Protein change: p.Leu454Phe; replaces leucine 454 with phenylalanine.
Molecular consequence: missense variant.
Genome position (GRCh38, 1-based): chr6:89,950,744, C>A on the plus strand (G>T on the coding strand, the complement: BACH2 is on the minus strand). VCF-style: chr6-89950744-C-A. GRCh37 (hg19) VCF-style: chr6-90660463-C-A.
Other names: c.1362G>T, p.Leu454Phe (NM_001170794.2); short protein forms L454F.
Identifiers: ClinVar variation 1473099 (VCV001473099.8), dbSNP rs1774035811, ClinGen allele CA365071000.